The following is an entry in ClinVar:

NM_001401501.2(MUC16):c.7719A>G (p.Ala2573=)

Gene: MUC16 (mucin 16, cell surface associated; minus strand). Cytogenetic location: 19p13.2.
Variant type: single nucleotide variant.
Coding change: c.7719A>G on transcript NM_001401501.2 (MANE Select); coding-DNA position 7719, A replaced by G.
Protein change: p.Ala2573=; no amino-acid change (alanine 2573 retained).
Molecular consequence: synonymous variant.
Genome position (GRCh38, 1-based): chr19:8,973,540, T>C on the plus strand (A>G on the coding strand, the complement: MUC16 is on the minus strand). VCF-style: chr19-8973540-T-C. GRCh37 (hg19) VCF-style: chr19-9084216-T-C.
Other names: c.8145A>G, p.Ala2715= (NM_001414686.1); c.7599A>G, p.Ala2533= (NM_001414687.1, NM_024690.2).
Identifiers: ClinVar variation 3058913 (VCV003058913.2), dbSNP rs1609459, ClinGen allele CA9172148.
Genomic context (GRCh38, chr19:8,973,540, plus strand): 5'-TCCAGTGACCACTGCTGCTGAGAGATGGGGAGTGAAGGCAGTGGCTGGTTCAATAGTTGA[T>C]GCTAGAAGTGAGTGTGCCTCTCCTGCAGGACTTGTCTTGAGAAAGCCCATGGCAGGTAAG-3'
Protein context (NP_001388430.1, residues 2563-2583): SPAGEAHSLL[Ala2573=]STIEPATAFT

ClinVar aggregate classification (germline): Benign (0 of 4 stars; one submission).

Conditions:
MUC16-related disorder. Also called: MUC16-related condition.

Allele frequency attached by ClinVar (database versions not stated): 1000 Genomes Project 0.22644; 1000 Genomes Project 30x 0.23204; TOPMed 0.29099; ExAC 0.29176; gnomAD 0.29433; ESP Exome Variant Server 0.30457; gnomAD exomes 0.31204.

Submission:

PreventionGenetics, part of Exact Sciences
Classification: Benign for MUC16-related condition. Last evaluated: 2019-10-18. Review status: no assertion criteria provided. Collection method: clinical testing. Allele origin: germline.
Comment: This variant is classified as benign based on ACMG/AMP sequence variant interpretation guidelines (Richards et al. 2015 PMID: 25741868, with internal and published modifications).